The following is an entry in ClinVar:

ClinVar aggregate classification (germline): Uncertain significance (1 of 4 stars; one submission).

Submission:

Labcorp Genetics (formerly Invitae), Labcorp
Classification: Uncertain significance. Last evaluated: 2025-09-18. Review status: criteria provided, single submitter. Criteria: Invitae Variant Classification Sherloc (09022015). Collection method: clinical testing. Allele origin: germline.
Comment: This sequence change replaces aspartic acid, which is acidic and polar, with tyrosine, which is neutral and polar, at codon 652 of the SLC26A3 protein (p.Asp652Tyr). Information on the frequency of this variant in the gnomAD database is not available, as this variant may be reported differently in the database. This variant has not been reported in the literature in individuals affected with SLC26A3-related conditions. Experimental studies and prediction algorithms are not available or were not evaluated, and the functional significance of this variant is currently unknown. In summary, the available evidence is currently insufficient to determine the role of this variant in disease. Therefore, it has been classified as a Variant of Uncertain Significance.

NM_000111.3(SLC26A3):c.1953_1954delinsCT (p.Asp652Tyr)

Gene: SLC26A3 (solute carrier family 26 member 3; minus strand). Cytogenetic location: 7q22.3.
Variant type: Indel.
Coding change: c.1953_1954delinsCT on transcript NM_000111.3 (MANE Select); coding-DNA positions 1953 to 1954, TG replaced by CT.
Protein change: p.Asp652Tyr; replaces aspartic acid 652 with tyrosine.
Molecular consequence: missense variant.
Genome position (GRCh38, 1-based): chr7:107,773,973-107,773,974, CA replaced by AG on the plus strand (TG replaced by CT on the coding strand, the reverse complement: SLC26A3 is on the minus strand). VCF-style: chr7-107773973-CA-AG. GRCh37 (hg19) VCF-style: chr7-107414418-CA-AG.
Other names: short protein forms D652Y.
Identifiers: ClinVar variation 4727269 (VCV004727269.1).